The following is an entry in ClinVar:

ClinVar aggregate classification (germline): Uncertain significance (1 of 4 stars; one submission).

Conditions:
Baller-Gerold syndrome (BGS). Also called: CRANIOSYNOSTOSIS WITH RADIAL DEFECTS. Identifiers: Orphanet 1225, MedGen C0265308, MONDO:0009039, OMIM 218600.

gnomAD v4.1: 1 of 1,612,460 alleles (0.000062%); highest among the groups gnomAD compares: Admixed American, 0.0017%; no homozygotes.

Submission:

Labcorp Genetics (formerly Invitae), Labcorp
Classification: Uncertain significance for Baller-Gerold syndrome. Last evaluated: 2022-06-20. Review status: criteria provided, single submitter. Criteria: Invitae Variant Classification Sherloc (09022015). Collection method: clinical testing. Allele origin: germline.
Comment: This sequence change creates a premature translational stop signal (p.Tyr1177*) in the RECQL4 gene. While this is not anticipated to result in nonsense mediated decay, it is expected to disrupt the last 32 amino acid(s) of the RECQL4 protein. In summary, the available evidence is currently insufficient to determine the role of this variant in disease. Therefore, it has been classified as a Variant of Uncertain Significance. Experimental studies and prediction algorithms are not available or were not evaluated, and the functional significance of this variant is currently unknown. This variant has not been reported in the literature in individuals affected with RECQL4-related conditions. This variant is present in population databases (rs139228543, gnomAD 0.003%).

NM_004260.4(RECQL4):c.3531C>G (p.Tyr1177Ter)

Gene: RECQL4 (RecQ like helicase 4; minus strand). Cytogenetic location: 8q24.3.
Variant type: single nucleotide variant.
Coding change: c.3531C>G on transcript NM_004260.4 (MANE Select); coding-DNA position 3531, C replaced by G.
Protein change: p.Tyr1177Ter; replaces tyrosine 1177 with a stop codon.
Molecular consequence: nonsense.
Genome position (GRCh38, 1-based): chr8:144,511,527, G>C on the plus strand (C>G on the coding strand, the complement: RECQL4 is on the minus strand). VCF-style: chr8-144511527-G-C. GRCh37 (hg19) VCF-style: chr8-145736910-G-C.
Other names: short protein forms Y1177*.
Identifiers: ClinVar variation 1513313 (VCV001513313.6), dbSNP rs139228543, ClinGen allele CA4947659.
Genomic context (GRCh38, chr8:144,511,527, plus strand): 5'-GCCCACCAGGGCATGGAAGCTCAGGTGCAGGTATTTTCTCCAGAAGCGTCGGTCCTGCCC[G>C]TACACCTGGGCCGGGTAGCAGGGGCTTCCTACGGTGGAGCCAAGACACAGCCGTGAGCCC-3'